The following is an entry in ClinVar:

ClinVar aggregate classification (germline): Benign/Likely benign. Review status: criteria provided, multiple submitters, no conflicts (2 of 4 stars). 5 submissions from 5 submitters: Benign (1); Likely benign (4). Last evaluated 2025-12-23.

Conditions:
Nemaline myopathy 2 (NEM2). Also called: Nemaline myopathy 2, autosomal recessive. Identifiers: MedGen C1850569, MONDO:0009725, OMIM 256030.

Allele frequency attached by ClinVar (database versions not stated): gnomAD 0.00105 and 0.00094; 1000 Genomes Project 30x 0.00109; TOPMed 0.00116; gnomAD exomes 0.00026; ExAC 0.00033; ESP Exome Variant Server 0.00092; 1000 Genomes Project 0.00100.
gnomAD v4.1: 302 of 1,598,328 alleles (0.019%); highest among the groups gnomAD compares: African/African-American, 0.36%; 1 homozygote.

Submissions (5):

Labcorp Genetics (formerly Invitae), Labcorp
Classification: Benign for Nemaline myopathy 2. Last evaluated: 2025-12-23. Review status: criteria provided, single submitter. Criteria: Invitae Variant Classification Sherloc (09022015). Collection method: clinical testing. Allele origin: germline.

Women's Health and Genetics/Laboratory Corporation of America, LabCorp
Classification: Likely benign. Last evaluated: 2025-10-09. Review status: criteria provided, single submitter. Criteria: LabCorp Variant Classification Summary - May 2015. Collection method: clinical testing. Allele origin: germline.

Blueprint Genetics
Classification: Likely benign. Last evaluated: 2024-11-26. Review status: criteria provided, single submitter. Criteria: ACMG Guidelines, 2015. Collection method: clinical testing. Allele origin: germline.

GeneDx
Classification: Likely benign. Last evaluated: 2017-12-26. Review status: criteria provided, single submitter. Criteria: GeneDx Variant Classification (06012015). Collection method: clinical testing. Allele origin: germline. Affected: yes.
Comment: This variant is considered likely benign or benign based on one or more of the following criteria: it is a conservative change, it occurs at a poorly conserved position in the protein, it is predicted to be benign by multiple in silico algorithms, and/or has population frequency not consistent with disease.

Breakthrough Genomics
Classification: Likely benign. Review status: criteria provided, single submitter. Criteria: ACMG Guidelines, 2015. Collection method: not provided. Allele origin: germline. Inheritance: Autosomal recessive inheritance. Affected: yes.

NM_001164508.2(NEB):c.8373+13G>A

Gene: NEB (nebulin; minus strand). Cytogenetic location: 2q23.3.
Variant type: single nucleotide variant.
Coding change: c.8373+13G>A on transcript NM_001164508.2 (MANE Select); 13 bases into the intron after coding-DNA position 8373, G replaced by A.
Molecular consequence: intron variant.
Genome position (GRCh38, 1-based): chr2:151,642,561, C>T on the plus strand (G>A on the coding strand, the complement: NEB is on the minus strand). VCF-style: chr2-151642561-C-T. GRCh37 (hg19) VCF-style: chr2-152499075-C-T.
Other names: c.8373+13G>A (NM_004543.5, NM_001164507.2, NM_001271208.2).
Identifiers: ClinVar variation 387860 (VCV000387860.13), dbSNP rs199564399, ClinGen allele CA1909616.